The following is an entry in ClinVar:

NM_017954.11(CADPS2):c.3235G>A (p.Val1079Ile)

Gene: CADPS2 (calcium dependent secretion activator 2; minus strand). Cytogenetic location: 7q31.32.
Variant type: single nucleotide variant.
Coding change: c.3235G>A on transcript NM_017954.11 (MANE Select); coding-DNA position 3235, G replaced by A.
Protein change: p.Val1079Ile; replaces valine 1079 with isoleucine.
Molecular consequence: missense variant.
Genome position (GRCh38, 1-based): chr7:122,387,103, C>T on the plus strand (G>A on the coding strand, the complement: CADPS2 is on the minus strand). VCF-style: chr7-122387103-C-T. GRCh37 (hg19) VCF-style: chr7-122027157-C-T.
Other names: c.3097G>A, p.Val1033Ile (NM_001009571.4, NM_001363398.2); c.3247G>A, p.Val1083Ile (NM_001167940.2, NM_001363391.2); c.3256G>A, p.Val1086Ile (NM_001363389.2, NM_001363390.2); c.3136G>A, p.Val1046Ile (NM_001363392.2, NM_001363393.2); c.3127G>A, p.Val1043Ile (NM_001363394.2); c.3118G>A, p.Val1040Ile (NM_001363395.2); c.3115G>A, p.Val1039Ile (NM_001363396.2); c.3106G>A, p.Val1036Ile (NM_001363397.2); and 2 more; short protein forms V1033I, V1036I, V1039I, V1040I, V1043I, V1046I, V1079I, V1083I.
Identifiers: ClinVar variation 3357264 (VCV003357264.1).
Genomic context (GRCh38, chr7:122,387,103, plus strand): 5'-GGGCACAGAGTTTGGTGCTTTGCTTTTTGGCATCGACTAATACATTAAACATAGTGCAAA[C>T]GGAAGCTGGAATGCGCAAGTCAGTTGTTTTGCTTGCCTTTTGTAGCTTGAGTTCAAATGC-3'
Protein context (NP_060424.9, residues 1069-1089): KTTDLRIPAS[Val1079Ile]CTMFNVLVDA

ClinVar aggregate classification (germline): Uncertain significance (0 of 4 stars; one submission).

Conditions:
CADPS2-related disorder. Also called: CADPS2-related condition.

gnomAD v4.1: 16 of 1,569,718 alleles (0.001%); highest among the groups gnomAD compares: Admixed American, 0.017%; no homozygotes.

Submission:

PreventionGenetics, part of Exact Sciences
Classification: Uncertain significance for CADPS2-related condition. Last evaluated: 2024-05-29. Review status: no assertion criteria provided. Collection method: clinical testing. Allele origin: germline.
Comment: The CADPS2 c.3256G>A variant is predicted to result in the amino acid substitution p.Val1086Ile. To our knowledge, this variant has not been reported in the literature. This variant is reported in 0.021% of alleles in individuals of Latino descent in gnomAD. At this time, the clinical significance of this variant is uncertain due to the absence of conclusive functional and genetic evidence.